The following is an entry in ClinVar:

NM_005027.4(PIK3R2):c.1556A>G (p.Gln519Arg)

Gene: PIK3R2 (phosphoinositide-3-kinase regulatory subunit 2; plus strand). Cytogenetic location: 19p13.11.
Variant type: single nucleotide variant.
Coding change: c.1556A>G on transcript NM_005027.4 (MANE Select); coding-DNA position 1556, A replaced by G.
Protein change: p.Gln519Arg; replaces glutamine 519 with arginine.
Molecular consequence: missense variant. On other transcripts: non-coding transcript variant (2).
Genome position (GRCh38, 1-based): chr19:18,166,299, A>G. VCF-style: chr19-18166299-A-G. GRCh37 (hg19) VCF-style: chr19-18277109-A-G.
Other names: short protein forms Q519R.
Identifiers: ClinVar variation 3360043 (VCV003360043.1).
Genomic context (GRCh38, chr19:18,166,299, plus strand): 5'-AGAAATGCAGCAAGGAATACCTGGAGCGCTTCCGGCGTGAGGGCAACGAGAAAGAGATGC[A>G]AAGGTGAGTCTGGCGCCTCTGCCCTGCCCCACCCCACCCTGATCTGGTGCAGTACAAGCC-3'
Protein context (NP_005018.2, residues 509-529): FRREGNEKEM[Gln519Arg]RILLNSERLK

ClinVar aggregate classification (germline): Uncertain significance (1 of 4 stars; one submission).

Submission:

GeneDx
Classification: Uncertain significance. Last evaluated: 2023-07-09. Review status: criteria provided, single submitter. Criteria: GeneDx Variant Classification Process June 2021. Collection method: clinical testing. Allele origin: germline. Affected: yes.
Comment: Not observed at significant frequency in large population cohorts (gnomAD); In silico analysis supports that this missense variant does not alter protein structure/function; Has not been previously published as pathogenic or benign to our knowledge